The following is an entry in ClinVar:

NM_000018.4(ACADVL):c.1345G>C (p.Glu449Gln)

Gene: ACADVL (acyl-CoA dehydrogenase very long chain; plus strand). Cytogenetic location: 17p13.1.
Variant type: single nucleotide variant.
Coding change: c.1345G>C on transcript NM_000018.4 (MANE Select); coding-DNA position 1345, G replaced by C.
Protein change: p.Glu449Gln; replaces glutamic acid 449 with glutamine.
Molecular consequence: missense variant.
Genome position (GRCh38, 1-based): chr17:7,223,980, G>C. VCF-style: chr17-7223980-G-C. GRCh37 (hg19) VCF-style: chr17-7127299-G-C.
Other names: c.1279G>C, p.Glu427Gln (NM_001033859.3); c.1414G>C, p.Glu472Gln (NM_001270447.2); c.1117G>C, p.Glu373Gln (NM_001270448.2); short protein forms E449Q, E427Q, E472Q, E373Q.
Identifiers: ClinVar variation 92274 (VCV000092274.13), dbSNP rs398123081, ClinGen allele CA220194.

ClinVar aggregate classification (germline): Uncertain significance. Review status: criteria provided, multiple submitters, no conflicts (2 of 4 stars). 3 submissions from 3 submitters: Uncertain significance (3). Last evaluated 2021-08-28.

Conditions:
Very long chain acyl-CoA dehydrogenase deficiency (ACADVLD). Also called: VLCAD Deficiency; Very Long-Chain Acyl-Coenzyme A Dehydrogenase Deficiency. Identifiers: Orphanet 26793, MedGen C3887523, MONDO:0008723, OMIM 201475.

Allele frequency attached by ClinVar (database versions not stated): gnomAD exomes below 0.00001; TOPMed below 0.00001; ExAC 0.00001; gnomAD 0.00001.
gnomAD v4.1: 2 of 1,613,812 alleles (0.00012%); highest among the groups gnomAD compares: East Asian, 0.0022%; no homozygotes.

Submissions (3):

Labcorp Genetics (formerly Invitae), Labcorp
Classification: Uncertain significance for Very long chain acyl-CoA dehydrogenase deficiency. Last evaluated: 2021-08-28. Review status: criteria provided, single submitter. Criteria: Invitae Variant Classification Sherloc (09022015). Collection method: clinical testing. Allele origin: germline.
Comment: This sequence change replaces glutamic acid with glutamine at codon 449 of the ACADVL protein (p.Glu449Gln). The glutamic acid residue is highly conserved and there is a small physicochemical difference between glutamic acid and glutamine. This variant is present in population databases (rs398123081, ExAC 0.01%). This variant has not been reported in the literature in individuals affected with ACADVL-related conditions. ClinVar contains an entry for this variant (Variation ID: 92274). Algorithms developed to predict the effect of missense changes on protein structure and function (SIFT, PolyPhen-2, Align-GVGD) all suggest that this variant is likely to be disruptive. In summary, the available evidence is currently insufficient to determine the role of this variant in disease. Therefore, it has been classified as a Variant of Uncertain Significance.

Wong Mito Lab, Molecular and Human Genetics, Baylor College of Medicine
Classification: Uncertain significance for Very long chain acyl-CoA dehydrogenase deficiency. Last evaluated: 2019-11-01. Review status: criteria provided, single submitter. Criteria: ACMG Guidelines, 2015. Collection method: clinical testing. Allele origin: germline.
Comment: The NM_000018.3:c.1345G>C (NP_000009.1:p.Glu449Gln) [GRCH38: NC_000017.11:g.7223980G>C] variant in ACADVL gene is interpretated to be Uncertain Significance based on ACMG guidelines (PMID: 25741868). This variant has been reported. This variant meets the following evidence codes reported in the ACMG guidelines: PP3

Eurofins Ntd Llc (ga)
Classification: Uncertain significance. Last evaluated: 2013-03-05. Review status: criteria provided, single submitter. Criteria: EGL Classification Definitions 2015. Collection method: clinical testing. Allele origin: germline. Observed: 4 variant alleles, 4 heterozygotes.